The following is an entry in ClinVar:

ClinVar aggregate classification (germline): Likely benign (1 of 4 stars; one submission).

gnomAD v4.1: 1 of 1,614,212 alleles (0.000062%); highest among the groups gnomAD compares: Non-Finnish European, 0.000085%; no homozygotes.

Submission:

CeGaT Center for Human Genetics Tuebingen
Classification: Likely benign. Last evaluated: 2026-07-01. Review status: criteria provided, single submitter. Criteria: CeGaT Center For Human Genetics Tuebingen Variant Classification Criteria Version 2. Collection method: clinical testing. Allele origin: germline. Affected: yes. Observed: 1 variant allele.
Comment: SHISAL1: BP4, BP7

NM_001099294.2(SHISAL1):c.399A>T (p.Ala133=)

Gene: SHISAL1 (shisa like 1; minus strand). Cytogenetic location: 22q13.31.
Variant type: single nucleotide variant.
Coding change: c.399A>T on transcript NM_001099294.2 (MANE Select); coding-DNA position 399, A replaced by T.
Protein change: p.Ala133=; no amino-acid change (alanine 133 retained).
Molecular consequence: synonymous variant.
Genome position (GRCh38, 1-based): chr22:44,285,628, T>A on the plus strand (A>T on the coding strand, the complement: SHISAL1 is on the minus strand). VCF-style: chr22-44285628-T-A. GRCh37 (hg19) VCF-style: chr22-44681508-T-A.
Identifiers: ClinVar variation 5040041 (VCV005040041.1).